The following is an entry in ClinVar:

ClinVar aggregate classification (germline): Uncertain significance (1 of 4 stars; one submission).

Conditions:
BAP1-related tumor predisposition syndrome (TPDS1). Also called: BAP1 tumor predisposition syndrome; Tumor susceptibility linked to germline BAP1 mutations; COMMON Syndrome; TUMOR PREDISPOSITION SYNDROME 1. Identifiers: Orphanet 289539, MedGen C3280492, MONDO:0013692, OMIM 614327.

Submission:

Labcorp Genetics (formerly Invitae), Labcorp
Classification: Uncertain significance for BAP1-related tumor predisposition syndrome. Last evaluated: 2022-04-02. Review status: criteria provided, single submitter. Criteria: Invitae Variant Classification Sherloc (09022015). Collection method: clinical testing. Allele origin: germline.
Comment: This sequence change replaces glutamine, which is neutral and polar, with arginine, which is basic and polar, at codon 392 of the BAP1 protein (p.Gln392Arg). This variant is not present in population databases (gnomAD no frequency). This variant has not been reported in the literature in individuals affected with BAP1-related conditions. Algorithms developed to predict the effect of missense changes on protein structure and function (SIFT, PolyPhen-2, Align-GVGD) all suggest that this variant is likely to be tolerated. In summary, the available evidence is currently insufficient to determine the role of this variant in disease. Therefore, it has been classified as a Variant of Uncertain Significance.

NM_004656.4(BAP1):c.1175A>G (p.Gln392Arg)

Gene: BAP1 (BRCA1 associated deubiquitinase 1; minus strand). Cytogenetic location: 3p21.1.
Variant type: single nucleotide variant.
Coding change: c.1175A>G on transcript NM_004656.4 (MANE Select); coding-DNA position 1175, A replaced by G.
Protein change: p.Gln392Arg; replaces glutamine 392 with arginine.
Molecular consequence: missense variant.
Genome position (GRCh38, 1-based): chr3:52,404,528, T>C on the plus strand (A>G on the coding strand, the complement: BAP1 is on the minus strand). VCF-style: chr3-52404528-T-C. GRCh37 (hg19) VCF-style: chr3-52438544-T-C.
Other names: short protein forms Q392R.
Identifiers: ClinVar variation 1467670 (VCV001467670.8), dbSNP rs2153226865, ClinGen allele CA353103207.
Genomic context (GRCh38, chr3:52,404,528, plus strand): 5'-GTGTTCTGCACGTCATCCTCCTCGTCATCCTCATAGTCATCCTCATCATCTGAGTACTGC[T>C]GGGGTGGGCGGACTGGAACTCGGCTGCGGCCCACACCTGCCGCCAGGTCTTCTTCCTCCT-3'
Protein context (NP_004647.1, residues 382-402): GRSRVPVRPP[Gln392Arg]QYSDDEDDYE